The following is an entry in ClinVar:

NM_001743.6(CALM2):c.285+16G>C

Gene: CALM2 (calmodulin 2; minus strand). Cytogenetic location: 2p21.
Variant type: single nucleotide variant.
Coding change: c.285+16G>C on transcript NM_001743.6 (MANE Select); 16 bases into the intron after coding-DNA position 285, G replaced by C.
Molecular consequence: intron variant.
Genome position (GRCh38, 1-based): chr2:47,162,270, C>G on the plus strand (G>C on the coding strand, the complement: CALM2 is on the minus strand). VCF-style: chr2-47162270-C-G. GRCh37 (hg19) VCF-style: chr2-47389409-C-G.
Other names: c.429+16G>C (NM_001305624.1); c.177+16G>C (NM_001305626.1, NM_001305625.2).
Identifiers: ClinVar variation 390826 (VCV000390826.12), dbSNP rs3729963, ClinGen allele CA1648563.

ClinVar aggregate classification (germline): Benign/Likely benign. Review status: criteria provided, multiple submitters, no conflicts (2 of 4 stars). 5 submissions from 5 submitters: Benign (1); Likely benign (2). 2 of the submissions do not count toward it. Last evaluated 2026-02-03.

Conditions:
Long QT syndrome 1 (LQT1). Identifiers: Orphanet 101016, Orphanet 768, MedGen C4551647, MONDO:0100316, OMIM 192500, MONDO:0008646.

Allele frequency attached by ClinVar (database versions not stated): ESP Exome Variant Server 0.00038; 1000 Genomes Project 0.00040; TOPMed 0.00046; 1000 Genomes Project 30x 0.00047.
gnomAD v4.1: 766 of 1,420,498 alleles (0.054%); highest among the groups gnomAD compares: Non-Finnish European, 0.07%; 1 homozygote.

Submissions (5):

Labcorp Genetics (formerly Invitae), Labcorp
Classification: Benign for Long QT syndrome 1. Last evaluated: 2026-02-03. Review status: criteria provided, single submitter. Criteria: Invitae Variant Classification Sherloc (09022015). Collection method: clinical testing. Allele origin: germline.

Blueprint Genetics
Classification: Likely benign. Last evaluated: 2024-10-15. Review status: criteria provided, single submitter. Criteria: ACMG Guidelines, 2015. Collection method: clinical testing. Allele origin: germline.

GeneDx
Classification: Likely benign. Last evaluated: 2017-09-22. Review status: criteria provided, single submitter. Criteria: GeneDx Variant Classification (06012015). Collection method: clinical testing. Allele origin: germline. Affected: yes.
Comment: This variant is considered likely benign or benign based on one or more of the following criteria: it is a conservative change, it occurs at a poorly conserved position in the protein, it is predicted to be benign by multiple in silico algorithms, and/or has population frequency not consistent with disease.

Clinical Genetics, Academic Medical Center
Classification: Benign. Review status: no assertion criteria provided. Collection method: clinical testing. Allele origin: germline. Affected: yes. Study: VKGL Data-share Consensus. Not counted in ClinVar's aggregate classification.

Genome Diagnostics Laboratory, University Medical Center Utrecht
Classification: Likely benign. Review status: no assertion criteria provided. Collection method: clinical testing. Allele origin: germline. Affected: yes. Study: VKGL Data-share Consensus. Not counted in ClinVar's aggregate classification.